The following is an entry in ClinVar:

NM_004341.5(CAD):c.697G>A (p.Val233Ile)

Gene: CAD (carbamoyl-phosphate synthetase 2, aspartate transcarbamylase, and dihydroorotase; plus strand). Cytogenetic location: 2p23.3.
Variant type: single nucleotide variant.
Coding change: c.697G>A on transcript NM_004341.5 (MANE Select); coding-DNA position 697, G replaced by A.
Protein change: p.Val233Ile; replaces valine 233 with isoleucine.
Molecular consequence: missense variant.
Genome position (GRCh38, 1-based): chr2:27,222,925, G>A. VCF-style: chr2-27222925-G-A. GRCh37 (hg19) VCF-style: chr2-27445793-G-A.
Other names: c.697G>A, p.Val233Ile (NM_001306079.2); c.697G>A (NM_004341.3); short protein forms V233I.
Identifiers: ClinVar variation 1424350 (VCV001424350.7), dbSNP rs146747331, ClinGen allele CA1572502.

ClinVar aggregate classification (germline): Conflicting classifications of pathogenicity. Review status: criteria provided, conflicting classifications (1 of 4 stars). 3 submissions from 3 submitters: Uncertain significance (2); Likely benign (1). Last evaluated 2022-09-07.

Conditions:
Inborn genetic diseases. Identifiers: MedGen C0950123, MeSH D030342.

Allele frequency attached by ClinVar (database versions not stated): ExAC 0.00014.
gnomAD v4.1: 116 of 1,613,954 alleles (0.0072%); highest among the groups gnomAD compares: East Asian, 0.056%; no homozygotes.

Submissions (3):

Labcorp Genetics (formerly Invitae), Labcorp
Classification: Uncertain significance. Last evaluated: 2022-09-07. Review status: criteria provided, single submitter. Criteria: Invitae Variant Classification Sherloc (09022015). Collection method: clinical testing. Allele origin: germline.
Comment: This sequence change replaces valine, which is neutral and non-polar, with isoleucine, which is neutral and non-polar, at codon 233 of the CAD protein (p.Val233Ile). This variant is present in population databases (rs146747331, gnomAD 0.2%). This variant has not been reported in the literature in individuals affected with CAD-related conditions. ClinVar contains an entry for this variant (Variation ID: 1424350). Algorithms developed to predict the effect of missense changes on protein structure and function output the following: SIFT: "Tolerated"; PolyPhen-2: "Benign"; Align-GVGD: "Class C0". The isoleucine amino acid residue is found in multiple mammalian species, which suggests that this missense change does not adversely affect protein function. In summary, the available evidence is currently insufficient to determine the role of this variant in disease. Therefore, it has been classified as a Variant of Uncertain Significance.

Ambry Genetics
Classification: Likely benign for Inborn genetic diseases. Last evaluated: 2022-04-07. Review status: criteria provided, single submitter. Criteria: Ambry Variant Classification Scheme 2023. Collection method: clinical testing. Allele origin: germline.

Breakthrough Genomics
Classification: Uncertain significance. Review status: criteria provided, single submitter. Criteria: ACMG Guidelines, 2015. Collection method: not provided. Allele origin: germline. Inheritance: Autosomal recessive inheritance. Affected: yes.